The following is an entry in ClinVar:

NM_003482.4(KMT2D):c.9643C>T (p.Leu3215Phe)

Gene: KMT2D (lysine methyltransferase 2D; minus strand). Cytogenetic location: 12q13.12.
Variant type: single nucleotide variant.
Coding change: c.9643C>T on transcript NM_003482.4 (MANE Select); coding-DNA position 9643, C replaced by T.
Protein change: p.Leu3215Phe; replaces leucine 3215 with phenylalanine.
Molecular consequence: missense variant.
Genome position (GRCh38, 1-based): chr12:49,037,713, G>A on the plus strand (C>T on the coding strand, the complement: KMT2D is on the minus strand). VCF-style: chr12-49037713-G-A. GRCh37 (hg19) VCF-style: chr12-49431496-G-A.
Other names: short protein forms L3215F.
Identifiers: ClinVar variation 3013758 (VCV003013758.3), dbSNP rs1215687542, ClinGen allele CA384736947.

ClinVar aggregate classification (germline): Uncertain significance (1 of 4 stars; one submission).

Conditions:
Kabuki syndrome. Also called: Kabuki make-up syndrome; NIIKAWA-KUROKI SYNDROME. Identifiers: Orphanet 2322, MedGen C0796004, MONDO:0016512.

Submission:

Labcorp Genetics (formerly Invitae), Labcorp
Classification: Uncertain significance for Kabuki syndrome. Last evaluated: 2023-05-22. Review status: criteria provided, single submitter. Criteria: Invitae Variant Classification Sherloc (09022015). Collection method: clinical testing. Allele origin: germline.
Comment: In summary, the available evidence is currently insufficient to determine the role of this variant in disease. Therefore, it has been classified as a Variant of Uncertain Significance. This sequence change replaces leucine, which is neutral and non-polar, with phenylalanine, which is neutral and non-polar, at codon 3215 of the KMT2D protein (p.Leu3215Phe). This variant is not present in population databases (gnomAD no frequency). This variant has not been reported in the literature in individuals affected with KMT2D-related conditions. This missense change has been observed in at least one individual who was not affected with KMT2D-related conditions (Invitae). Advanced modeling of protein sequence and biophysical properties (such as structural, functional, and spatial information, amino acid conservation, physicochemical variation, residue mobility, and thermodynamic stability) has been performed at Invitae for this missense variant, however the output from this modeling did not meet the statistical confidence thresholds required to predict the impact of this variant on KMT2D protein function.